The following is an entry in ClinVar:

ClinVar aggregate classification (germline): Likely pathogenic. Review status: criteria provided, multiple submitters, no conflicts (2 of 4 stars). 2 submissions from 2 submitters: Likely pathogenic (2). Last evaluated 2024-03-27.

Conditions:
Primary ciliary dyskinesia 3. Identifiers: Orphanet 244, MedGen C1837618, MONDO:0012085, OMIM 608644.
DNAH5-related disorder. Also called: DNAH5-related condition.

Submissions (2):

Fulgent Genetics
Classification: Likely pathogenic for Primary ciliary dyskinesia 3. Last evaluated: 2024-03-27. Review status: criteria provided, single submitter. Criteria: ACMG Guidelines, 2015. Collection method: clinical testing. Allele origin: germline.

PreventionGenetics, part of Exact Sciences
Classification: Likely pathogenic for DNAH5-related condition. Last evaluated: 2023-04-21. Review status: criteria provided, single submitter. Criteria: ACMG Guidelines, 2015. Collection method: clinical testing. Allele origin: germline.
Comment: The DNAH5 c.7475_7500delinsTTG variant is predicted to result in a frameshift and premature protein termination (p.Ala2492Valfs*55). To our knowledge, this variant has not been reported in the literature or in a large population database, indicating this variant is rare. Frameshift variants in DNAH5 are expected to be pathogenic. This variant is interpreted as likely pathogenic.

NM_001369.3(DNAH5):c.7475_7500delinsTTG (p.Ala2492fs)

Gene: DNAH5 (dynein axonemal heavy chain 5; minus strand). Cytogenetic location: 5p15.2.
Variant type: Indel.
Coding change: c.7475_7500delinsTTG on transcript NM_001369.3 (MANE Select); coding-DNA positions 7475 to 7500, CGGGGGCGGCGCTGGAGCTGGACGGA replaced by TTG.
Protein change: p.Ala2492fs; shifts the reading frame from alanine 2492.
Molecular consequence: frameshift variant.
Genome position (GRCh38, 1-based): chr5:13,810,168-13,810,193, TCCGTCCAGCTCCAGCGCCGCCCCCG replaced by CAA on the plus strand (CGGGGGCGGCGCTGGAGCTGGACGGA replaced by TTG on the coding strand, the reverse complement: DNAH5 is on the minus strand). VCF-style: chr5-13810168-TCCGTCCAGCTCCAGCGCCGCCCCCG-CAA. GRCh37 (hg19) VCF-style: chr5-13810277-TCCGTCCAGCTCCAGCGCCGCCCCCG-CAA.
Other names: short protein forms A2492fs.
Identifiers: ClinVar variation 2633083 (VCV002633083.2), dbSNP rs2546806383, ClinGen allele CA2695198579.